The following is an entry in ClinVar:

NM_001080453.3(INTS1):c.4404C>G (p.Asp1468Glu)

Gene: INTS1 (integrator complex subunit 1; minus strand). Cytogenetic location: 7p22.3.
Variant type: single nucleotide variant.
Coding change: c.4404C>G on transcript NM_001080453.3 (MANE Select); coding-DNA position 4404, C replaced by G.
Protein change: p.Asp1468Glu; replaces aspartic acid 1468 with glutamic acid.
Molecular consequence: missense variant.
Genome position (GRCh38, 1-based): chr7:1,478,811, G>C on the plus strand (C>G on the coding strand, the complement: INTS1 is on the minus strand). VCF-style: chr7-1478811-G-C. GRCh37 (hg19) VCF-style: chr7-1518447-G-C.
Other names: c.921C>G, p.Asp307Glu (NM_015674.1); short protein forms D1468E, D307E.
Identifiers: ClinVar variation 2502506 (VCV002502506.1), dbSNP rs761803891, ClinGen allele CA366586137.

ClinVar aggregate classification (germline): Uncertain significance (1 of 4 stars; one submission).

gnomAD v4.1: 2 of 1,608,458 alleles (0.00012%); highest among the groups gnomAD compares: Non-Finnish European, 0.00017%; no homozygotes.

Submission:

GeneDx
Classification: Uncertain significance. Last evaluated: 2022-11-22. Review status: criteria provided, single submitter. Criteria: GeneDx Variant Classification Process June 2021. Collection method: clinical testing. Allele origin: germline. Affected: yes.
Comment: Not observed at significant frequency in large population cohorts (gnomAD); In silico analysis supports that this missense variant does not alter protein structure/function; Has not been previously published as pathogenic or benign to our knowledge